The following is an entry in ClinVar:

NM_133259.4(LRPPRC):c.3147del (p.Ala1051fs)

Gene: LRPPRC (leucine rich pentatricopeptide repeat containing; minus strand). Cytogenetic location: 2p21.
Variant type: Deletion.
Coding change: c.3147del on transcript NM_133259.4 (MANE Select); coding-DNA position 3147, one base deleted (A; older notation c.3147delA).
Protein change: p.Ala1051fs; shifts the reading frame from alanine 1051.
Molecular consequence: frameshift variant.
Genome position (GRCh38, 1-based): chr2:43,918,026, T deleted on the plus strand (A on the coding strand, the reverse complement: LRPPRC is on the minus strand); the first of 8 consecutive T bases (chr2:43,918,026-43,918,033); deleting any one gives the same sequence. VCF-style (leftmost placement, unchanged base first): chr2-43918025-CT-C. GRCh37 (hg19) VCF-style: chr2-44145164-CT-C.
Other names: short protein forms A1051fs.
Identifiers: ClinVar variation 1939312 (VCV001939312.6), dbSNP rs769022521, ClinGen allele CA1638194.

ClinVar aggregate classification (germline): Pathogenic/Likely pathogenic. Review status: criteria provided, multiple submitters, no conflicts (2 of 4 stars). 2 submissions from 2 submitters: Pathogenic (1); Likely pathogenic (1). Last evaluated 2024-04-21.

Conditions:
Congenital lactic acidosis, Saguenay-Lac-Saint-Jean type (MC4DN5). Also called: CYTOCHROME c OXIDASE DEFICIENCY, FRENCH CANADIAN TYPE; COX DEFICIENCY, FRENCH CANADIAN TYPE; MITOCHONDRIAL COMPLEX IV DEFICIENCY, NUCLEAR TYPE 5. Identifiers: Orphanet 70472, MedGen C1857355, MONDO:0009069, OMIM 220111.

Submissions (2):

Fulgent Genetics
Classification: Likely pathogenic for Congenital lactic acidosis, Saguenay-Lac-Saint-Jean type. Last evaluated: 2024-04-21. Review status: criteria provided, single submitter. Criteria: ACMG Guidelines, 2015. Collection method: clinical testing. Allele origin: germline.

Labcorp Genetics (formerly Invitae), Labcorp
Classification: Pathogenic. Last evaluated: 2022-01-22. Review status: criteria provided, single submitter. Criteria: Invitae Variant Classification Sherloc (09022015). Collection method: clinical testing. Allele origin: germline.
Comment: For these reasons, this variant has been classified as Pathogenic. This variant has not been reported in the literature in individuals affected with LRPPRC-related conditions. The frequency data for this variant in the population databases is considered unreliable, as metrics indicate poor data quality at this position in the gnomAD database. This sequence change creates a premature translational stop signal (p.Ala1051Hisfs*6) in the LRPPRC gene. It is expected to result in an absent or disrupted protein product. Loss-of-function variants in LRPPRC are known to be pathogenic (PMID: 26510951).

Literature cited by the submitters: PubMed 26510951 (cited by Labcorp Genetics (formerly Invitae), Labcorp).